The following is an entry in ClinVar:

ClinVar aggregate classification (germline): Uncertain significance (1 of 4 stars; one submission).

Conditions:
Leigh syndrome (NULS). Also called: Leigh's necrotizing encephalopathy; Leigh's disease; Leigh Syndrome (mtDNA deletion); Leigh Disease; Subacute necrotizing encephalopathy; Necrotizing encephalopathy infantile subacute of Leigh. Identifiers: Orphanet 506, MedGen C2931891, MONDO:0009723, OMIM 256000.

Submission:

Wong Mito Lab, Molecular and Human Genetics, Baylor College of Medicine
Classification: Uncertain significance for Leigh syndrome. Last evaluated: 2019-10-17. Review status: criteria provided, single submitter. Criteria: Modified ACMG Guidelines (Unpublished). Collection method: clinical testing. Allele origin: germline.
Comment: The NC_012920.1:m.7146_7147inv (YP_003024028.1:p.Thr415Val) variant in MTCO1 gene is interpretated to be a Uncertain Significance variant based on the modified ACMG guidelines (unpublished). This variant meets the following evidence codes: PP7

NC_012920.1(MT-CO1):m.7146_7147inv

Gene: MT-CO1 (mitochondrially encoded cytochrome c oxidase I; plus strand).
Variant type: Inversion.
Genome position: chrM-7146-AC-GT.
Identifiers: ClinVar variation 692705 (VCV000692705.1), ClinGen allele CA915952044.